The following is an entry in ClinVar:

ClinVar aggregate classification (germline): Uncertain significance (1 of 4 stars; one submission).

gnomAD v4.1: 3 of 1,614,052 alleles (0.00019%); highest among the groups gnomAD compares: Non-Finnish European, 0.00025%; no homozygotes.

Submission:

Labcorp Genetics (formerly Invitae), Labcorp
Classification: Uncertain significance. Last evaluated: 2024-02-22. Review status: criteria provided, single submitter. Criteria: Invitae Variant Classification Sherloc (09022015). Collection method: clinical testing. Allele origin: germline.
Comment: This sequence change replaces glutamine, which is neutral and polar, with histidine, which is basic and polar, at codon 228 of the FCHO1 protein (p.Gln228His). This variant is present in population databases (rs768844335, gnomAD 0.002%). This variant has not been reported in the literature in individuals affected with FCHO1-related conditions. An algorithm developed to predict the effect of missense changes on protein structure and function (PolyPhen-2) suggests that this variant is likely to be disruptive. In summary, the available evidence is currently insufficient to determine the role of this variant in disease. Therefore, it has been classified as a Variant of Uncertain Significance.

NM_015122.3(FCHO1):c.684G>T (p.Gln228His)

Gene: FCHO1 (FCH and mu domain containing endocytic adaptor 1; plus strand). Cytogenetic location: 19p13.11.
Variant type: single nucleotide variant.
Coding change: c.684G>T on transcript NM_015122.3 (MANE Select); coding-DNA position 684, G replaced by T.
Protein change: p.Gln228His; replaces glutamine 228 with histidine.
Molecular consequence: missense variant. On other transcripts: non-coding transcript variant (36).
Genome position (GRCh38, 1-based): chr19:17,772,546, G>T. VCF-style: chr19-17772546-G-T. GRCh37 (hg19) VCF-style: chr19-17883355-G-T.
Other names: c.684G>T, p.Gln228His (NM_001384372.1, NM_001384373.1, NM_001384374.1 and 26 more transcripts); c.645G>T, p.Gln215His (NM_001384405.1, NM_001384388.1, NM_001384389.1); c.534G>T, p.Gln178His (NM_001384406.1, NM_001384407.1, NM_001161359.2 and 3 more transcripts); c.609G>T, p.Gln203His (NM_001384390.1); short protein forms Q203H, Q228H, Q178H, Q215H.
Identifiers: ClinVar variation 3642613 (VCV003642613.2).
Genomic context (GRCh38, chr19:17,772,546, plus strand): 5'-GAGGCACATGAAGGCACTGCTGGGCTCATATGCTCACTCGGTGGAGGACACGCACGTGCA[G>T]ATTGGGCAGGTGAGTTGGGCAGGTGTGAGGAATGAGGCTGGGGTCACTGCTGGGCAAAGG-3'
Protein context (NP_055937.1, residues 218-238): YAHSVEDTHV[Gln228His]IGQVHEEFKQ